The following is an entry in ClinVar:

NM_016008.4(DYNC2LI1):c.164A>G (p.Asp55Gly)

Gene: DYNC2LI1 (dynein cytoplasmic 2 light intermediate chain 1; plus strand). Cytogenetic location: 2p21.
Variant type: single nucleotide variant.
Coding change: c.164A>G on transcript NM_016008.4 (MANE Select); coding-DNA position 164, A replaced by G.
Protein change: p.Asp55Gly; replaces aspartic acid 55 with glycine.
Molecular consequence: missense variant.
Genome position (GRCh38, 1-based): chr2:43,787,183, A>G. VCF-style: chr2-43787183-A-G. GRCh37 (hg19) VCF-style: chr2-44014322-A-G.
Other names: c.164A>G, p.Asp55Gly (NM_001193464.2, NM_001348912.2, NM_001348913.2 and 1 more transcripts); short protein forms D55G.
Identifiers: ClinVar variation 1446670 (VCV001446670.6), dbSNP rs370040195, ClinGen allele CA1635716.

ClinVar aggregate classification (germline): Uncertain significance (1 of 4 stars; one submission).

Allele frequency attached by ClinVar (database versions not stated): ExAC 0.00009; TOPMed 0.00009; gnomAD exomes 0.00011; gnomAD 0.00015 and 0.00017; ESP Exome Variant Server 0.00031.

Submission:

Labcorp Genetics (formerly Invitae), Labcorp
Classification: Uncertain significance. Last evaluated: 2022-04-09. Review status: criteria provided, single submitter. Criteria: Invitae Variant Classification Sherloc (09022015). Collection method: clinical testing. Allele origin: germline.
Comment: Algorithms developed to predict the effect of sequence changes on RNA splicing suggest that this variant may create or strengthen a splice site. In summary, the available evidence is currently insufficient to determine the role of this variant in disease. Therefore, it has been classified as a Variant of Uncertain Significance. Algorithms developed to predict the effect of missense changes on protein structure and function are either unavailable or do not agree on the potential impact of this missense change (SIFT: "Deleterious"; PolyPhen-2: "Possibly Damaging"; Align-GVGD: "Class C0"). This variant has not been reported in the literature in individuals affected with DYNC2LI1-related conditions. This variant is present in population databases (rs370040195, gnomAD 0.02%). This sequence change replaces aspartic acid, which is acidic and polar, with glycine, which is neutral and non-polar, at codon 55 of the DYNC2LI1 protein (p.Asp55Gly).